The following is an entry in ClinVar:

ClinVar aggregate classification (germline): Conflicting classifications of pathogenicity. Review status: criteria provided, conflicting classifications (1 of 4 stars). 2 submissions from 2 submitters: Uncertain significance (1); Likely benign (1). Last evaluated 2025-05-27.

Conditions:
RYR1-related disorder. Also called: RYR1-related condition; RYR1-related disorders. Identifiers: MedGen CN239331.
Malignant hyperthermia, susceptibility to, 1 (MHS1). Also called: RYR1-Related Malignant Hyperthermia Susceptibility; Anesthesia related hyperthermia; Malignant hyperpyrexia; Fulminating hyperpyrexia; Pharmacogenic myopathy; Malignant hyperthermia suceptibility 1. Identifiers: Orphanet 423, MedGen C2930980, MONDO:0007783, OMIM 145600.

Allele frequency attached by ClinVar (database versions not stated): ExAC 0.00001; gnomAD 0.00001; TOPMed 0.00003.
gnomAD v4.1: 2 of 1,609,978 alleles (0.00012%); highest among the groups gnomAD compares: African/African-American, 0.0027%; no homozygotes.

Submissions (2):

Labcorp Genetics (formerly Invitae), Labcorp
Classification: Likely benign for RYR1-related disorder. Last evaluated: 2025-05-27. Review status: criteria provided, single submitter. Criteria: Invitae Variant Classification Sherloc (09022015). Collection method: clinical testing. Allele origin: germline.

All of Us Research Program, National Institutes of Health
Classification: Uncertain significance for Malignant hyperthermia, susceptibility to, 1. Last evaluated: 2023-04-03. Review status: criteria provided, single submitter. Criteria: ACMG Guidelines, 2015. Collection method: clinical testing. Allele origin: germline. Inheritance: Autosomal dominant inheritance. Observed: 2 variant alleles, 2 heterozygotes.
Comment: This variant is located in the RYR1 protein. To our knowledge, functional studies have not been reported for this variant. This variant has not been reported in individuals affected with RYR1-related disorders in the literature. This variant has been identified in 2/280516 chromosomes in the general population by the Genome Aggregation Database (gnomAD). The available evidence is insufficient to determine the role of this variant in disease conclusively. Therefore, this variant is classified as a Variant of Uncertain Significance.

This study involves interpretation of variants in research participants for the purpose of population health screening. Participant phenotype was not available at the time of variant classification. Additional details can be found in publication PMID: 35346344, PMCID: PMC8962531

NM_000540.3(RYR1):c.7782G>C (p.Ser2594=)

Gene: RYR1 (ryanodine receptor 1; plus strand). Cytogenetic location: 19q13.2.
Variant type: single nucleotide variant.
Coding change: c.7782G>C on transcript NM_000540.3 (MANE Select); coding-DNA position 7782, G replaced by C.
Protein change: p.Ser2594=; no amino-acid change (serine 2594 retained).
Molecular consequence: synonymous variant.
Genome position (GRCh38, 1-based): chr19:38,502,674, G>C. VCF-style: chr19-38502674-G-C. GRCh37 (hg19) VCF-style: chr19-38993314-G-C.
Other names: c.7782G>C, p.Ser2594= (NM_001042723.2).
Identifiers: ClinVar variation 3069495 (VCV003069495.2), dbSNP rs769096297, ClinGen allele CA070232.